The following is an entry in ClinVar:

NC_000023.11:g.(?_85864630)_(85911338_?)del

Gene: CHM (CHM Rab escort protein; minus strand). Cytogenetic location: Xq21.2.
Variant type: Deletion.
Identifiers: ClinVar variation 833335 (VCV000833335.7).

ClinVar aggregate classification (germline): Pathogenic (1 of 4 stars; one submission).

Submission:

Labcorp Genetics (formerly Invitae), Labcorp
Classification: Pathogenic. Last evaluated: 2022-07-06. Review status: criteria provided, single submitter. Criteria: Invitae Variant Classification Sherloc (09022015). Collection method: clinical testing. Allele origin: germline.
Comment: This variant is a gross deletion of the genomic region encompassing exon(s) 9-15 of the CHM gene, which includes the termination codon. This deletion extends beyond the assayed region for this gene and therefore may encompass additional genes. While this deletion is not anticipated to lead to nonsense mediated decay, it is expected to alter mRNA translation or result in a truncated protein product. A similar copy number variant has been observed in individual(s) with X-linked choroideremia (PMID: 12203991, 23811034). This variant disrupts a region of the CHM protein in which other variant(s) (p.Tyr573Cysfs*12) have been determined to be pathogenic (PMID: 26327910; Invitae). This suggests that this is a clinically significant region of the protein, and that variants that disrupt it are likely to be disease-causing. For these reasons, this variant has been classified as Pathogenic.

Literature cited by the submitters: PubMed 12203991; PubMed 23811034; PubMed 26327910.